The following is an entry in ClinVar:

NM_000051.4(ATM):c.2494C>G (p.Arg832Gly)

Gene: ATM (ATM serine/threonine kinase; plus strand). Cytogenetic location: 11q22.3.
Variant type: single nucleotide variant.
Coding change: c.2494C>G on transcript NM_000051.4 (MANE Select); coding-DNA position 2494, C replaced by G.
Protein change: p.Arg832Gly; replaces arginine 832 with glycine.
Molecular consequence: missense variant.
Genome position (GRCh38, 1-based): chr11:108,267,198, C>G. VCF-style: chr11-108267198-C-G. GRCh37 (hg19) VCF-style: chr11-108137925-C-G.
Other names: c.2494C>G, p.Arg832Gly (NM_001351834.2); short protein forms R832G.
Identifiers: ClinVar variation 572939 (VCV000572939.17), dbSNP rs2229022, ClinGen allele CA382543254.
Genomic context (GRCh38, chr11:108,267,198, plus strand): 5'-CATCTTGAACATCTTTGTTTCTCTTCCTTGAAGGCATCCTTCATCAAAAAGCCATTTGAC[C>G]GTGGAGAAGTAGAATCAATGGAAGATGATACTAATGGAAATCTAATGGAGGTGGAGGATC-3'
Protein context (NP_000042.3, residues 822-842): LASFIKKPFD[Arg832Gly]GEVESMEDDT

ClinVar aggregate classification (germline): Conflicting classifications of pathogenicity. Review status: criteria provided, conflicting classifications (1 of 4 stars). 3 submissions from 3 submitters: Uncertain significance (2); Likely benign (1). Last evaluated 2025-05-13.

Conditions:
Familial cancer of breast. Also called: BREAST CANCER, FAMILIAL; hereditary breast carcinoma; Hereditary breast cancer. Identifiers: Orphanet 227535, MedGen C0346153, MONDO:0016419, OMIM 114480. Disease mechanism: loss of function.
Ataxia-telangiectasia syndrome (AT). Also called: AT, COMPLEMENTATION GROUP C; Cerebello-oculocutaneous telangiectasia; Immunodeficiency with ataxia telangiectasia; Ataxia-telangiectasia, complementation group D; ATAXIA-TELANGIECTASIA, FRESNO VARIANT; Ataxia-telangiectasia, complementation group E. Identifiers: Orphanet 100, MedGen C0004135, MONDO:0008840, OMIM 208900.
Hereditary cancer-predisposing syndrome. Also called: Hereditary neoplastic syndrome; Neoplastic Syndromes, Hereditary; Hereditary Cancer Syndrome; Tumor predisposition. Identifiers: Orphanet 140162, MedGen C0027672, MeSH D009386, MONDO:0015356.

Submissions (3):

Labcorp Genetics (formerly Invitae), Labcorp
Classification: Uncertain significance for Ataxia-telangiectasia syndrome. Last evaluated: 2025-05-13. Review status: criteria provided, single submitter. Criteria: Invitae Variant Classification Sherloc (09022015). Collection method: clinical testing. Allele origin: germline.
Comment: This sequence change replaces arginine, which is basic and polar, with glycine, which is neutral and non-polar, at codon 832 of the ATM protein (p.Arg832Gly). This variant is not present in population databases (gnomAD no frequency). This variant has not been reported in the literature in individuals affected with ATM-related conditions. ClinVar contains an entry for this variant (Variation ID: 572939). Invitae Evidence Modeling of protein sequence and biophysical properties (such as structural, functional, and spatial information, amino acid conservation, physicochemical variation, residue mobility, and thermodynamic stability) indicates that this missense variant is not expected to disrupt ATM protein function with a negative predictive value of 95%. In summary, the available evidence is currently insufficient to determine the role of this variant in disease. Therefore, it has been classified as a Variant of Uncertain Significance.

Ambry Genetics
Classification: Likely benign for Hereditary cancer-predisposing syndrome. Last evaluated: 2024-11-09. Review status: criteria provided, single submitter. Criteria: Ambry Variant Classification Scheme 2023. Collection method: clinical testing. Allele origin: germline.

Baylor Genetics
Classification: Uncertain significance for Familial cancer of breast. Last evaluated: 2024-01-11. Review status: criteria provided, single submitter. Criteria: ACMG Guidelines, 2015. Collection method: clinical testing. Allele origin: unknown.